The following is an entry in ClinVar:

NM_138773.4(SLC25A46):c.416C>A (p.Thr139Asn)

Gene: SLC25A46 (solute carrier family 25 member 46; plus strand). Cytogenetic location: 5q22.1.
Variant type: single nucleotide variant.
Coding change: c.416C>A on transcript NM_138773.4 (MANE Select); coding-DNA position 416, C replaced by A.
Protein change: p.Thr139Asn; replaces threonine 139 with asparagine.
Molecular consequence: missense variant. On other transcripts: non-coding transcript variant (1).
Genome position (GRCh38, 1-based): chr5:110,746,300, C>A. VCF-style: chr5-110746300-C-A. GRCh37 (hg19) VCF-style: chr5-110082001-C-A.
Other names: p.Thr139Asn; c.416C>A, p.Thr139Asn (NM_001303249.3); c.143C>A, p.Thr48Asn (NM_001303250.3); c.416C>A (NM_138773.3); short protein forms T139N, T48N.
Identifiers: ClinVar variation 475795 (VCV000475795.63), dbSNP rs202123515, ClinGen allele CA3364590.

ClinVar aggregate classification (germline): Benign/Likely benign. Review status: criteria provided, multiple submitters, no conflicts (2 of 4 stars). 9 submissions from 9 submitters: Benign (1); Likely benign (5). 3 of the submissions do not count toward it. Last evaluated 2026-09-01.

Conditions:
SLC25A46-related disorder. Also called: SLC25A46-related condition.
Inborn genetic diseases. Identifiers: MedGen C0950123, MeSH D030342.
Neuropathy, hereditary motor and sensory, type 6B (HMSN6B). Also called: HMSN VIB; CHARCOT-MARIE-TOOTH DISEASE, TYPE 6B; NEUROPATHY, HEREDITARY MOTOR AND SENSORY, TYPE VIB, WITH OPTIC ATROPHY; Neuropathy, hereditary motor and sensory, type VIB. Identifiers: MedGen C4225302, MONDO:0014671, OMIM 616505.

Allele frequency attached by ClinVar (database versions not stated): ESP Exome Variant Server 0.00023; TOPMed 0.00037; gnomAD 0.00048; gnomAD exomes 0.00084 and 0.00091; ExAC 0.00097.
gnomAD v4.1: 1,397 of 1,589,750 alleles (0.088%); highest among the groups gnomAD compares: Middle Eastern, 0.48%; 8 homozygotes.

Submissions (9):

CeGaT Center for Human Genetics Tuebingen
Classification: Likely benign. Last evaluated: 2026-09-01. Review status: criteria provided, single submitter. Criteria: CeGaT Center For Human Genetics Tuebingen Variant Classification Criteria Version 2. Collection method: clinical testing. Allele origin: germline. Affected: yes. Observed: 8 variant alleles.
Comment: SLC25A46: BS2

Labcorp Genetics (formerly Invitae), Labcorp
Classification: Likely benign for Neuropathy, hereditary motor and sensory, type 6B. Last evaluated: 2025-12-28. Review status: criteria provided, single submitter. Criteria: Invitae Variant Classification Sherloc (09022015). Collection method: clinical testing. Allele origin: germline.

Blueprint Genetics
Classification: Likely benign. Last evaluated: 2024-10-30. Review status: criteria provided, single submitter. Criteria: ACMG Guidelines, 2015. Collection method: clinical testing. Allele origin: germline.

Mayo Clinic Laboratories, Mayo Clinic
Classification: Benign. Last evaluated: 2024-03-04. Review status: criteria provided, single submitter. Criteria: ACMG Guidelines, 2015. Collection method: clinical testing. Allele origin: germline. Observed: 4 variant alleles.
Comment: BS1, BS2

GeneDx
Classification: Likely benign. Last evaluated: 2021-04-01. Review status: criteria provided, single submitter. Criteria: GeneDx Variant Classification Process June 2021. Collection method: clinical testing. Allele origin: germline. Affected: yes.

Ambry Genetics
Classification: Likely benign for Inborn genetic diseases. Last evaluated: 2019-11-27. Review status: criteria provided, single submitter. Criteria: Ambry Variant Classification Scheme 2023. Collection method: clinical testing. Allele origin: germline.

PreventionGenetics, part of Exact Sciences
Classification: Likely benign for SLC25A46-related condition. Last evaluated: 2022-04-28. Review status: no assertion criteria provided. Collection method: clinical testing. Allele origin: germline. Not counted in ClinVar's aggregate classification.
Comment: This variant is classified as likely benign based on ACMG/AMP sequence variant interpretation guidelines (Richards et al. 2015 PMID: 25741868, with internal and published modifications).

Clinical Genetics DNA and cytogenetics Diagnostics Lab, Erasmus MC, Erasmus Medical Center
Classification: Uncertain significance. Review status: no assertion criteria provided. Collection method: clinical testing. Allele origin: germline. Affected: yes. Study: VKGL Data-share Consensus. Not counted in ClinVar's aggregate classification.

Clinical Genetics, Academic Medical Center
Classification: Uncertain significance. Review status: no assertion criteria provided. Collection method: clinical testing. Allele origin: germline. Affected: yes. Study: VKGL Data-share Consensus. Not counted in ClinVar's aggregate classification.